The following is an entry in ClinVar:

NM_019842.4(KCNQ5):c.1780C>T (p.His594Tyr)

Gene: KCNQ5 (potassium voltage-gated channel subfamily Q member 5; plus strand). Cytogenetic location: 6q13.
Variant type: single nucleotide variant.
Coding change: c.1780C>T on transcript NM_019842.4 (MANE Select); coding-DNA position 1780, C replaced by T.
Protein change: p.His594Tyr; replaces histidine 594 with tyrosine.
Molecular consequence: missense variant.
Genome position (GRCh38, 1-based): chr6:73,192,635, C>T. VCF-style: chr6-73192635-C-T. GRCh37 (hg19) VCF-style: chr6-73902358-C-T.
Other names: c.1753C>T, p.His585Tyr (NM_001160130.2); c.1810C>T, p.His604Tyr (NM_001160132.2); c.1837C>T, p.His613Tyr (NM_001160133.2); c.1450C>T, p.His484Tyr (NM_001160134.2); c.1837C>T (NM_001160133.1); short protein forms H604Y, H585Y, H594Y, H484Y, H613Y.
Identifiers: ClinVar variation 3650665 (VCV003650665.3).

ClinVar aggregate classification (germline): Uncertain significance. Review status: criteria provided, multiple submitters, no conflicts (2 of 4 stars). 2 submissions from 2 submitters: Uncertain significance (2). Last evaluated 2025-09-25.

Conditions:
Inborn genetic diseases. Identifiers: MedGen C0950123, MeSH D030342.

gnomAD v4.1: 4 of 1,612,486 alleles (0.00025%); highest among the groups gnomAD compares: Non-Finnish European, 0.00025%; no homozygotes.

Submissions (2):

Ambry Genetics
Classification: Uncertain significance for Inborn genetic diseases. Last evaluated: 2025-09-25. Review status: criteria provided, single submitter. Criteria: Ambry Variant Classification Scheme 2023. Collection method: clinical testing. Allele origin: germline.

Labcorp Genetics (formerly Invitae), Labcorp
Classification: Uncertain significance. Last evaluated: 2024-04-24. Review status: criteria provided, single submitter. Criteria: Invitae Variant Classification Sherloc (09022015). Collection method: clinical testing. Allele origin: germline.
Comment: This sequence change replaces histidine, which is basic and polar, with tyrosine, which is neutral and polar, at codon 613 of the KCNQ5 protein (p.His613Tyr). This variant is present in population databases (no rsID available, gnomAD 0.007%). This variant has not been reported in the literature in individuals affected with KCNQ5-related conditions. Advanced modeling of protein sequence and biophysical properties (such as structural, functional, and spatial information, amino acid conservation, physicochemical variation, residue mobility, and thermodynamic stability) performed at Invitae indicates that this missense variant is not expected to disrupt KCNQ5 protein function with a negative predictive value of 80%. In summary, the available evidence is currently insufficient to determine the role of this variant in disease. Therefore, it has been classified as a Variant of Uncertain Significance.